The following is an entry in ClinVar:

ClinVar aggregate classification (germline): Likely benign (1 of 4 stars; one submission).

Allele frequency attached by ClinVar (database versions not stated): TOPMed below 0.00001; ExAC 0.00001; gnomAD exomes 0.00001.
gnomAD v4.1: 6 of 1,608,968 alleles (0.00037%); highest among the groups gnomAD compares: Non-Finnish European, 0.00051%; no homozygotes.

Submission:

GeneDx
Classification: Likely benign. Last evaluated: 2019-10-17. Review status: criteria provided, single submitter. Criteria: GeneDx Variant Classification Process June 2021. Collection method: clinical testing. Allele origin: germline. Affected: yes.
Comment: Not observed at a significant frequency in large population cohorts (Lek et al., 2016); Nucleotide substitution has no predicted effect on splicing and is not conserved across species

NM_020774.4(MIB1):c.192G>T (p.Gly64=)

Genes: MIB1 (MIB E3 ubiquitin protein ligase 1; plus strand), LOC130062255 (ATAC-STARR-seq lymphoblastoid silent region 9345; plus strand). Cytogenetic location: 18q11.2.
Variant type: single nucleotide variant.
Coding change: c.192G>T on transcript NM_020774.4 (MANE Select); coding-DNA position 192, G replaced by T.
Protein change: p.Gly64=; no amino-acid change (glycine 64 retained).
Molecular consequence: synonymous variant.
Genome position (GRCh38, 1-based): chr18:21,741,775, G>T. VCF-style: chr18-21741775-G-T. GRCh37 (hg19) VCF-style: chr18-19321736-G-T.
Identifiers: ClinVar variation 424108 (VCV000424108.3), dbSNP rs760102201, ClinGen allele CA8907938.
Genomic context (GRCh38, chr18:21,741,775, plus strand): 5'-CCCCGAGGAGGTGGTGGTAGTGTGGGACAACGGCACAGCTGCCAACTACCGCTGCTCCGG[G>T]GCTTACGACCTCCGCATCCTGGACAGCGCGCCCACCGGTAAGCCGCGGCCACCTGGCCAG-3'
Protein context (NP_065825.1, residues 54-74): NGTAANYRCS[Gly64=]AYDLRILDSA